The following is an entry in ClinVar:

NM_206926.2(SELENON):c.344del (p.Pro115fs)

Gene: SELENON (selenoprotein N; plus strand). Cytogenetic location: 1p36.11.
Variant type: Deletion.
Coding change: c.344del on transcript NM_206926.2 (MANE Select); coding-DNA position 344, one base deleted (C; older notation c.344delC).
Protein change: p.Pro115fs; shifts the reading frame from proline 115.
Molecular consequence: frameshift variant.
Genome position (GRCh38, 1-based): chr1:25,805,184, C deleted; the last of 5 consecutive C bases (chr1:25,805,180-25,805,184); deleting any one gives the same sequence. VCF-style (leftmost placement, unchanged base first): chr1-25805179-GC-G. GRCh37 (hg19) VCF-style: chr1-26131670-GC-G.
Other names: c.446del, p.Pro149fs (NM_020451.3); short protein forms P149fs, P115fs.
Identifiers: ClinVar variation 4694913 (VCV004694913.1).
Genomic context (GRCh38, chr1:25,805,179, plus strand): 5'-TCTCCGATGTCTGTGTCTCATAGGGTCAACTCCCGCGGCCAGCTGCGAGGAGGAGGAGTT[GC>G]CCCCTGACCCTAGCGAGGAGACGCTCACCATAGAAGCCCGATTCCAGCCTCTGCTCCCGG-3'

ClinVar aggregate classification (germline): Pathogenic (1 of 4 stars; one submission).

Conditions:
Eichsfeld type congenital muscular dystrophy (CMYO3). Also called: Rigid spine muscular dystrophy 1; SELENON-related myopathy; Congenital myopathy 3 with rigid spine; MYOPATHY, SEPN1-RELATED. Identifiers: MedGen C0410180, MONDO:0100100, OMIM 602771.

Submission:

Labcorp Genetics (formerly Invitae), Labcorp
Classification: Pathogenic for Eichsfeld type congenital muscular dystrophy. Last evaluated: 2026-01-11. Review status: criteria provided, single submitter. Criteria: Invitae Variant Classification Sherloc (09022015). Collection method: clinical testing. Allele origin: germline.
Comment: This sequence change creates a premature translational stop signal (p.Pro149Leufs*10) in the SELENON gene. It is expected to result in an absent or disrupted protein product. Loss-of-function variants in SELENON are known to be pathogenic (PMID: 21131290, 21670436). This variant is not present in population databases (gnomAD no frequency). This variant has not been reported in the literature in individuals affected with SELENON-related conditions. For these reasons, this variant has been classified as Pathogenic.

Literature cited by the submitters: PubMed 21131290; PubMed 21670436.